The following is an entry in ClinVar:

NM_001374828.1(ARID1B):c.3235+2T>A

Gene: ARID1B (AT-rich interaction domain 1B; plus strand). Cytogenetic location: 6q25.3.
Variant type: single nucleotide variant.
Coding change: c.3235+2T>A on transcript NM_001374828.1 (MANE Select); the canonical splice donor site of the intron after coding-DNA position 3235, T replaced by A.
Molecular consequence: splice donor variant.
Genome position (GRCh38, 1-based): chr6:157,167,187, T>A. VCF-style: chr6-157167187-T-A. GRCh37 (hg19) VCF-style: chr6-157488321-T-A.
Other names: c.3025+2T>A (NM_020732.3); c.3274+2T>A (NM_001371656.1, NM_001374820.1); c.3235+2T>A (NM_017519.3); c.736+2T>A (NM_001363725.2).
Identifiers: ClinVar variation 2674618 (VCV002674618.2), dbSNP rs1583439013, ClinGen allele CA366389651.

ClinVar aggregate classification (germline): Pathogenic (1 of 4 stars; one submission).

Conditions:
Coffin-Siris syndrome 1 (CSS1). Also called: Mental retardation, autosomal dominant 12; ARID1B-Related Coffin-Siris Syndrome. Identifiers: Orphanet 1465, MedGen C3281201, MONDO:0007617, OMIM 135900. Disease mechanism: gain of function.

Submission:

Division Of Personalized Genomic Medicine, Columbia University Irving Medical Center
Classification: Pathogenic for Coffin-Siris syndrome 1. Last evaluated: 2021-03-29. Review status: criteria provided, single submitter. Criteria: ACMG Guidelines, 2015. Collection method: clinical testing. Allele origin: de novo. Inheritance: Autosomal dominant inheritance. Affected: yes. Observed: 1 heterozygote.
Comment: The c.3025+2T>A variant is a heterozygous canonical splice site variant which affects a donor splice site in intron 10 (19 introns total; NM_020732.3). A substitution at this site could produce a protein with modified function or cause the protein not to be expressed. This variant is absent from the Genome Aggregation Database (gnomAD), indicating it is not a common benign variant in the populations represented in this database. To the best of our knowledge, this variant has not been reported. However several loss-of-function variants distal to this variant, including one splice site variant in the same intron-exon junction as this one (c.3025+1G>A, Variation ID in ClinVar: 265627) have been reported in the literature and in the ClinVar database (Last accessed: 3/19/2021).